The following is an entry in ClinVar:

NM_000238.4(KCNH2):c.1842G>A (p.Ala614=)

Gene: KCNH2 (potassium voltage-gated channel subfamily H member 2; minus strand). Cytogenetic location: 7q36.1.
Variant type: single nucleotide variant.
Coding change: c.1842G>A on transcript NM_000238.4 (MANE Select); coding-DNA position 1842, G replaced by A.
Protein change: p.Ala614=; no amino-acid change (alanine 614 retained).
Molecular consequence: synonymous variant. On other transcripts: non-coding transcript variant (2).
Genome position (GRCh38, 1-based): chr7:150,951,551, C>T on the plus strand (G>A on the coding strand, the complement: KCNH2 is on the minus strand). VCF-style: chr7-150951551-C-T. GRCh37 (hg19) VCF-style: chr7-150648639-C-T.
Other names: c.822G>A, p.Ala274= (NM_001204798.2, NM_172057.3); c.1554G>A, p.Ala518= (NM_001406753.1, NM_001406756.1); c.1665G>A, p.Ala555= (NM_001406755.1); c.1542G>A, p.Ala514= (NM_001406757.1); c.1842G>A, p.Ala614= (NM_172056.3).
Identifiers: ClinVar variation 456897 (VCV000456897.21), dbSNP rs746863761, ClinGen allele CA029579.
Genomic context (GRCh38, chr7:150,951,551, plus strand): 5'-GGTGTTGGGAGAGACGTTGCCGAAGCCCACACTGGTGAGGCTGCTGAAGGTGAAGTAGAG[C>T]GCCGTCACATACTTGTCCTTGATGGAGGGGCCGCCCAGGCCGCTGCTGTTGTAGGGTTTG-3'
Protein context (NP_000229.1, residues 604-624): GPSIKDKYVT[Ala614=]LYFTFSSLTS

ClinVar aggregate classification (germline): Likely benign. Review status: criteria provided, multiple submitters, no conflicts (2 of 4 stars). 4 submissions from 4 submitters: Likely benign (4). Last evaluated 2025-12-23.

Conditions:
Cardiovascular phenotype. Identifiers: MedGen CN230736.
Cardiac arrhythmia. Also called: Arrhythmia; Cardiac rhythm disease. Identifiers: MedGen C0003811, MONDO:0007263, HP:0011675.
Long QT syndrome (LQTS). Identifiers: MedGen C0023976, MeSH D008133, MONDO:0002442. Disease mechanism: loss of function. Inheritance: Various modes of inheritance.

Allele frequency attached by ClinVar (database versions not stated): gnomAD 0.00001 and 0.00002; TOPMed 0.00002; ExAC 0.00003; gnomAD exomes 0.00003 and 0.00004.
gnomAD v4.1: 62 of 1,614,016 alleles (0.0038%); highest among the groups gnomAD compares: Non-Finnish European, 0.0044%; no homozygotes.

Submissions (4):

Labcorp Genetics (formerly Invitae), Labcorp
Classification: Likely benign for Long QT syndrome. Last evaluated: 2025-12-23. Review status: criteria provided, single submitter. Criteria: Invitae Variant Classification Sherloc (09022015). Collection method: clinical testing. Allele origin: germline.

All of Us Research Program, National Institutes of Health
Classification: Likely benign for Long QT syndrome. Last evaluated: 2024-04-16. Review status: criteria provided, single submitter. Criteria: ACMG Guidelines, 2015. Collection method: clinical testing. Allele origin: germline. Inheritance: Autosomal dominant inheritance. Observed: 7 variant alleles, 7 heterozygotes.
Comment: This study involves interpretation of variants in research participants for the purpose of population health screening. Participant phenotype was not available at the time of variant classification. Additional details can be found in publication PMID: 35346344, PMCID: PMC8962531

Color Diagnostics, LLC DBA Color Health
Classification: Likely benign for Arrhythmia. Last evaluated: 2018-11-09. Review status: criteria provided, single submitter. Criteria: ACMG Guidelines, 2015. Collection method: clinical testing. Allele origin: germline.

Ambry Genetics
Classification: Likely benign for Cardiovascular phenotype. Last evaluated: 2017-05-24. Review status: criteria provided, single submitter. Criteria: Ambry Variant Classification Scheme 2023. Collection method: clinical testing. Allele origin: germline.